The following is an entry in ClinVar:

NM_000548.5(TSC2):c.1073G>T (p.Trp358Leu)

Gene: TSC2 (TSC complex subunit 2; plus strand). Cytogenetic location: 16p13.3.
Variant type: single nucleotide variant.
Coding change: c.1073G>T on transcript NM_000548.5 (MANE Select); coding-DNA position 1073, G replaced by T.
Protein change: p.Trp358Leu; replaces tryptophan 358 with leucine.
Molecular consequence: missense variant. On other transcripts: 5 prime UTR variant (10), non-coding transcript variant (5).
Genome position (GRCh38, 1-based): chr16:2,060,767, G>T. VCF-style: chr16-2060767-G-T. GRCh37 (hg19) VCF-style: chr16-2110768-G-T.
Other names: c.-359G>T (NM_001406690.1, NM_001406691.1, NM_001406692.1 and 4 more transcripts); c.-240G>T (NM_001406694.1, NM_001406695.1); c.-535G>T (NM_001406698.1); c.1073G>T, p.Trp358Leu (NM_021055.3, NM_001077183.3, NM_001114382.3 and 6 more transcripts); c.926G>T, p.Trp309Leu (NM_001406679.1, NM_001406676.1, NM_001318829.2 and 1 more transcripts); c.473G>T, p.Trp158Leu (NM_001406680.1, NM_001406682.1, NM_001406683.1 and 6 more transcripts); c.611G>T, p.Trp204Leu (NM_001406681.1); c.1016G>T, p.Trp339Leu (NM_001406677.1); and 4 more; short protein forms W158L, W204L, W309L, W321L, W339L, W354L, W358L, W369L.
Identifiers: ClinVar variation 3066179 (VCV003066179.1), dbSNP rs2151137617, ClinGen allele CA394317990.

ClinVar aggregate classification (germline): Uncertain significance (1 of 4 stars; one submission).

Conditions:
Tuberous sclerosis 2 (TSC2). Identifiers: Orphanet 805, MedGen C1860707, MONDO:0013199, OMIM 613254.

Submission:

MVZ Medizinische Genetik Mainz
Classification: Uncertain significance for Tuberous sclerosis 2. Last evaluated: 2023-11-15. Review status: criteria provided, single submitter. Criteria: UK Practice Guidelines For Variant Classification V4 01 2020. Collection method: clinical testing. Allele origin: germline. Inheritance: Autosomal dominant inheritance. Affected: yes. Observed: 1 variant allele.
Comment: ACMG Criteria: PP3_MOD,PM2_SUP